The following continues an entry in ClinVar:

NM_000257.4(MYH7):c.2770G>A (p.Glu924Lys)

Gene: MYH7. ClinVar aggregate classification (germline): Pathogenic/Likely pathogenic. Pathogenic (12); Likely pathogenic (2).

Submissions 7 to 17 of 17:

CHEO Genetics Diagnostic Laboratory, Children's Hospital of Eastern Ontario
Classification: Pathogenic for Cardiomyopathy. Last evaluated: 2022-05-31. Review status: criteria provided, single submitter. Criteria: ACMG Guidelines, 2015. Collection method: clinical testing. Allele origin: germline. Study: Canadian Open Genetics Repository.

GeneDx
Classification: Pathogenic. Last evaluated: 2022-05-09. Review status: criteria provided, single submitter. Criteria: GeneDx Variant Classification Process June 2021. Collection method: clinical testing. Allele origin: germline. Affected: yes.
Comment: Identified in numerous other individuals referred for HCM genetic testing at GeneDx and found to segregate with disease in at least two families; Not observed at significant frequency in large population cohorts (gnomAD); In silico analysis supports that this missense variant has a deleterious effect on protein structure/function; Functional studies have demonstrated that E924K, which lies in the S2 segment of the myosin rod, completely abolishes normal binding to MYBPC3 (Gruen et al., 1999); This variant is associated with the following publications: (PMID: 7731997, 25125180, 24093860, 28606303, 16630449, 25351510, 1430197, 30775854, 34542152, 10024460, 21425739, 23074333, 21310275, 25524337, 22857948, 15358028, 12818575, 18403758, 23711808, 22455086, 18409188, 1552912, 27247418, 28166811, 27532257, 15563892, 20031618, 24510615, 22429680, 15569455, 29743414, 31006259, 30650640, 34540771, 32894683, 34051236, 33906374, 29300372)

Fulgent Genetics
Classification: Pathogenic for MYH7-related skeletal myopathy; Myosin storage myopathy; Hypertrophic cardiomyopathy 1; Myopathy, myosin storage, autosomal recessive; Congenital myopathy 4A, autosomal dominant; Dilated cardiomyopathy 1S. Last evaluated: 2018-10-31. Review status: criteria provided, single submitter. Criteria: ACMG Guidelines, 2015. Collection method: clinical testing. Allele origin: unknown.

HudsonAlpha Institute for Biotechnology
Classification: Pathogenic for Hypertrophic cardiomyopathy 1. Last evaluated: 2017-11-28. Review status: criteria provided, single submitter. Criteria: ACMG Guidelines, 2015. Collection method: research. Allele origin: unknown. Affected: yes. Observed: 1 variant allele. Study: AGHI-GT-HudsonAlpha.

Center for Advanced Laboratory Medicine, UC San Diego Health, University of California San Diego
Classification: Pathogenic for Hypertrophic cardiomyopathy. Last evaluated: 2017-09-12. Review status: criteria provided, single submitter. Criteria: ACMG Guidelines, 2015. Collection method: clinical testing. Allele origin: germline. Affected: yes. Observed: 1 variant allele.

Stanford Center for Inherited Cardiovascular Disease, Stanford University
Classification: Likely pathogenic. Last evaluated: 2015-07-23. Review status: criteria provided, single submitter. Criteria: ACMG Guidelines, 2015. Collection method: provider interpretation. Allele origin: germline.

Klaassen Lab, Charite University Medicine Berlin
Classification: Pathogenic for Left ventricular noncompaction cardiomyopathy. Review status: criteria provided, single submitter. Criteria: ACMG Guidelines, 2015. Collection method: research. Allele origin: germline. Affected: yes.

Laboratory of Genetics and Molecular Cardiology, University of São Paulo
Classification: Likely pathogenic for Hypertrophic cardiomyopathy 1. Review status: criteria provided, single submitter. Criteria: LGCM Criteria August 2015. Collection method: clinical testing. Allele origin: germline. Inheritance: Autosomal dominant inheritance. Affected: yes. Observed: 2 variant alleles. Study: Sarcomeric Human Cardiomyopathy Registry (ShaRe).

Agnes Ginges Centre for Molecular Cardiology, Centenary Institute
Classification: Pathogenic for Hypertrophic cardiomyopathy. Last evaluated: 2020-02-25. Review status: no assertion criteria provided. Collection method: research. Allele origin: germline. Inheritance: Autosomal dominant inheritance. Affected: yes. Not counted in ClinVar's aggregate classification.
Comment: This MYH7 Glu924Lys variant has been identified in multiple unrelated HCM cases. It was first described by Watkins et al. (1992a & 1992b) as a de novo variant in a HCM case whose daughter was also genetically and clinically affected. We have identified the MYH7 Glu924Lys variant in 2 HCM probands (Ingles et al., 2017). This variant is absent from the Genome Aggregation Database. An in vitro functional study has shown the MYH7 Glu924Lys completely disrupts binding to another sarcomere protein - MYBPC3 (Gruen M, et al., 1999). In a large HCM population study Walsh et al., showed that MYH7 variants identified in HCM cases were found to cluster between amino acids 181- 937 (2017), this implies that variants in this region are likely to cause a HCM phenotype. Based on the adapted ACMG criteria (Kelly MA, et al., 2018) this variant has been reported in at least 15 probands (PS4), is located in the 'hotspot' of MYH7 (PM1), is rare in the general population (PM2), as been reported in a de novo case (PM6), segregates with disease (PP1_moderate) and multiple in silico tools predict that this variant is deleterious (PP3), therefore we classify MYH7 Gly924Lys as 'pathogenic'.

Laboratory for Molecular Medicine, Mass General Brigham Personalized Medicine
Classification: Pathogenic for Hypertrophic cardiomyopathy. Last evaluated: 2013-03-20. Review status: no assertion criteria provided. Collection method: clinical testing. Allele origin: germline. Inheritance: Autosomal dominant inheritance. Observed: 9 variant alleles. Not counted in ClinVar's aggregate classification.
Comment: proposed classification - variant undergoing re-assessment, contact laboratory

OMIM
Classification: Pathogenic for CARDIOMYOPATHY, FAMILIAL HYPERTROPHIC, 1. Last evaluated: 1992-04-23. Review status: no assertion criteria provided. Collection method: literature only. Allele origin: germline. Not counted in ClinVar's aggregate classification.

Literature cited by the submitters: PubMed 1552912 (cited by 4 submitters); PubMed 12974739 (cited by 3billion); PubMed 1430197 (cited by 5 submitters); PubMed 12818575 (cited by 5 submitters); PubMed 15358028 (cited by 4 submitters); PubMed 15563892 (cited by 5 submitters); PubMed 27247418 (cited by Labcorp Genetics (formerly Invitae), Labcorp); PubMed 10024460 (cited by 5 submitters); PubMed 27532257 (cited by 4 submitters); PubMed 16630449 (cited by Ambry Genetics); PubMed 18403758 (cited by 3 submitters); PubMed 18409188 (cited by 3 submitters); PubMed 22429680 (cited by Ambry Genetics and All of Us Research Program, National Institutes of Health); PubMed 24510615 (cited by Ambry Genetics and All of Us Research Program, National Institutes of Health); PubMed 25351510 (cited by Ambry Genetics and Agnes Ginges Centre for Molecular Cardiology, Centenary Institute); PubMed 21425739 (cited by All of Us Research Program, National Institutes of Health); PubMed 22455086 (cited by All of Us Research Program, National Institutes of Health and Agnes Ginges Centre for Molecular Cardiology, Centenary Institute); PubMed 22857948 (cited by All of Us Research Program, National Institutes of Health); PubMed 23711808 (cited by All of Us Research Program, National Institutes of Health and Agnes Ginges Centre for Molecular Cardiology, Centenary Institute); PubMed 25611685 (cited by All of Us Research Program, National Institutes of Health); PubMed 27885498 (cited by All of Us Research Program, National Institutes of Health); PubMed 28356264 (cited by All of Us Research Program, National Institutes of Health); PubMed 28408708 (cited by All of Us Research Program, National Institutes of Health and Agnes Ginges Centre for Molecular Cardiology, Centenary Institute); PubMed 28615295 (cited by All of Us Research Program, National Institutes of Health); PubMed 28790153 (cited by All of Us Research Program, National Institutes of Health); PubMed 30297972 (cited by All of Us Research Program, National Institutes of Health); PubMed 30650640 (cited by All of Us Research Program, National Institutes of Health); PubMed 30775854 (cited by All of Us Research Program, National Institutes of Health); PubMed 31737537 (cited by All of Us Research Program, National Institutes of Health); PubMed 33495596 (cited by All of Us Research Program, National Institutes of Health); PubMed 33495597 (cited by All of Us Research Program, National Institutes of Health); PubMed 34051236 (cited by All of Us Research Program, National Institutes of Health); PubMed 34540771 (cited by All of Us Research Program, National Institutes of Health and Klaassen Lab, Charite University Medicine Berlin); PubMed 35026164 (cited by All of Us Research Program, National Institutes of Health); PubMed 35284542 (cited by All of Us Research Program, National Institutes of Health); PubMed 7731997 (cited by Agnes Ginges Centre for Molecular Cardiology, Centenary Institute and Laboratory for Molecular Medicine, Mass General Brigham Personalized Medicine).